The following is an entry in ClinVar:

ClinVar aggregate classification (germline): Conflicting classifications of pathogenicity. Review status: criteria provided, conflicting classifications (1 of 4 stars). 7 submissions from 7 submitters: Uncertain significance (5); Likely benign (1). 1 of the submissions does not count toward it. Last evaluated 2023-08-11.

Conditions:
TTN-related disorder. Also called: TTN-related disorders; TTN-related condition; TTN-related disease.
Cardiovascular phenotype. Identifiers: MedGen CN230736.
Autosomal recessive limb-girdle muscular dystrophy type 2J (LGMDR10). Also called: Limb-girdle muscular dystrophy, type 2J; MUSCULAR DYSTROPHY, LIMB-GIRDLE, AUTOSOMAL RECESSIVE 10. Identifiers: Orphanet 140922, MedGen C1837342, MONDO:0012127, OMIM 608807.
Dilated cardiomyopathy 1G (CMD1G). Identifiers: Orphanet 154, MedGen C1858763, MONDO:0011400, OMIM 604145.

Allele frequency attached by ClinVar (database versions not stated): gnomAD 0.00003; ExAC 0.00004; TOPMed 0.00005.
gnomAD v4.1: 92 of 1,611,742 alleles (0.0057%); highest among the groups gnomAD compares: Middle Eastern, 0.016%; no homozygotes.

Submissions (7):

Revvity Omics, Revvity
Classification: Uncertain significance. Last evaluated: 2023-08-11. Review status: criteria provided, single submitter. Criteria: ACMG Guidelines, 2015. Collection method: clinical testing. Allele origin: germline.

Laboratory for Molecular Medicine, Mass General Brigham Personalized Medicine
Classification: Uncertain significance. Last evaluated: 2022-05-04. Review status: criteria provided, single submitter. Criteria: ACMG Guidelines, 2015. Collection method: clinical testing. Allele origin: germline.
Comment: The p.Arg12428His variant in TTN has been reported in at least 1 individual with HCM and LVNC (Mazzarotto 2020 PMID: 31983221, Mazzarotto 2021 PMID: 33500567, LMM data). It has also been reported by other clinical laboratories in ClinVar (Variation ID: 238783) and has been identified in 0.004% (5/112032) of European chromosomes by (gnomAD). Computational prediction tools and conservation analyses suggest that this variant may not impact the protein, though this information is not predictive enough to rule out pathogenicity. In summary, while the clinical significance of the p.Arg12428His variant is uncertain. ACMG/AMP Criteria applied: BP4.

GeneDx
Classification: Likely benign. Last evaluated: 2020-10-07. Review status: criteria provided, single submitter. Criteria: GeneDx Variant Classification Process June 2021. Collection method: clinical testing. Allele origin: germline. Affected: yes.
Comment: This variant is associated with the following publications: (PMID: 31983221)

Ambry Genetics
Classification: Uncertain significance for Cardiovascular phenotype. Last evaluated: 2019-11-21. Review status: criteria provided, single submitter. Criteria: Ambry Variant Classification Scheme 2023. Collection method: clinical testing. Allele origin: germline.
Comment: The p.R5931H variant (also known as c.17792G>A), located in coding exon 71 of the TTN gene, results from a G to A substitution at nucleotide position 17792. The arginine at codon 5931 is replaced by histidine, an amino acid with highly similar properties. This amino acid position is well conserved in available vertebrate species. In addition, this alteration is predicted to be tolerated by in silico analysis. Since supporting evidence is limited at this time, the clinical significance of this alteration remains unclear.

Eurofins Ntd Llc (ga)
Classification: Uncertain significance. Last evaluated: 2018-06-14. Review status: criteria provided, single submitter. Criteria: EGL ClinVar v180209 classification definitions. Collection method: clinical testing. Allele origin: germline. Observed: 1 variant allele, 1 heterozygote.

Labcorp Genetics (formerly Invitae), Labcorp
Classification: Uncertain significance for Dilated cardiomyopathy 1G; Autosomal recessive limb-girdle muscular dystrophy type 2J. Last evaluated: 2017-06-19. Review status: criteria provided, single submitter. Criteria: Invitae Variant Classification Sherloc (09022015). Collection method: clinical testing. Allele origin: germline.

PreventionGenetics, part of Exact Sciences
Classification: Uncertain significance for TTN-related condition. Last evaluated: 2024-06-11. Review status: no assertion criteria provided. Collection method: clinical testing. Allele origin: germline. Not counted in ClinVar's aggregate classification.
Comment: The TTN c.44987G>A variant is predicted to result in the amino acid substitution p.Arg14996His. This variant has been reported in at least one individual with dilated cardiomyopathy (Table S3, Mazzarotto et al. 2020. PubMed ID: 31983221) and left ventricular noncompaction (Table S2, Mazzarotto et al. 2021. PubMed ID: 33500567). This variant is reported in 0.0045% of alleles in individuals of European (Non-Finnish) descent in gnomAD. At this time, the clinical significance of this variant is uncertain due to the absence of conclusive functional and genetic evidence.

NM_001267550.2(TTN):c.44987G>A (p.Arg14996His)

Genes: TTN (titin; minus strand), LOC126806427 (BRD4-independent group 4 enhancer GRCh37_chr2:179485777-179486976; plus strand). Cytogenetic location: 2q31.2.
Variant type: single nucleotide variant.
Coding change: c.44987G>A on transcript NM_001267550.2 (MANE Select); coding-DNA position 44987, G replaced by A.
Protein change: p.Arg14996His; replaces arginine 14996 with histidine.
Molecular consequence: missense variant.
Genome position (GRCh38, 1-based): chr2:178,621,935, C>T on the plus strand (G>A on the coding strand, the complement: TTN is on the minus strand). VCF-style: chr2-178621935-C-T. GRCh37 (hg19) VCF-style: chr2-179486662-C-T.
Other names: c.40064G>A, p.Arg13355His (NM_001256850.1); c.17792G>A, p.Arg5931His (NM_003319.4); c.18167G>A, p.Arg6056His (NM_133432.3); c.18368G>A, p.Arg6123His (NM_133437.4); c.37283G>A, p.Arg12428His (NM_133378.4); short protein forms R14996H, R12428H, R13355H, R6056H, R6123H, R5931H.
Identifiers: ClinVar variation 238783 (VCV000238783.21), dbSNP rs762128685, ClinGen allele CA1995521.